The following is an entry in ClinVar:

ClinVar aggregate classification (germline): Uncertain significance (1 of 4 stars; one submission).

Submission:

Dasa
Classification: Uncertain significance. Last evaluated: 2025-09-07. Review status: criteria provided, single submitter. Criteria: DASA Assertion Criteria. Collection method: clinical testing. Allele origin: germline.
Comment: NM_032119.4(ADGRV1):c.8287-3_8287-2del is a splice-region variant. This variant is rare in population databases. The currently available literature and clinical evidence are not sufficient to establish a definitive association between this variant and the reported condition. Therefore, this variant is classified as a variant of uncertain significance.

NM_032119.4(ADGRV1):c.8287-3_8287-2del

Gene: ADGRV1 (adhesion G protein-coupled receptor V1; plus strand). Cytogenetic location: 5q14.3.
Variant type: Deletion.
Coding change: c.8287-3_8287-2del on transcript NM_032119.4 (MANE Select); 3 bases into the intron before coding-DNA position 8287 through the canonical splice acceptor site of the intron before coding-DNA position 8287, 2 bases deleted (TA; older notation c.8287-3_8287-2delTA).
Molecular consequence: splice acceptor variant.
Genome position (GRCh38, 1-based): chr5:90,704,386-90,704,387, TA deleted; deleting any 2 consecutive bases within chr5:90,704,385-90,704,387 gives the same sequence; the c. name uses the placement nearest the transcript's 3' end. VCF-style (leftmost placement, unchanged base first): chr5-90704384-CAT-C. GRCh37 (hg19) VCF-style: chr5-90000201-CAT-C.
Identifiers: ClinVar variation 4883966 (VCV004883966.2).
Genomic context (GRCh38, chr5:90,704,384, plus strand): 5'-ATAAAGCAGGAGATAGTTCATATTCAATAACGACAGCGGGATTGATTTCTTTCTGTATGA[CAT>C]AGGGGTCGTTGAATACAACATTGTTTGTGCATTTGTTGGATGACAACATTCCTGAGGAGA-3'